The following is an entry in ClinVar:

ClinVar aggregate classification (germline): Benign/Likely benign. Review status: criteria provided, multiple submitters, no conflicts (2 of 4 stars). 9 submissions from 7 submitters: Benign (1); Likely benign (8). Last evaluated 2026-08-01.

Conditions:
Insulin-resistant diabetes mellitus AND acanthosis nigricans. Also called: Insulin-resistance syndrome type A; DIABETES MELLITUS, INSULIN-RESISTANT, WITH ACANTHOSIS NIGRICANS, TYPE A; INSULIN RECEPTOR, DEFECT IN, WITH INSULIN-RESISTANT DIABETES MELLITUS AND ACANTHOSIS NIGRICANS; IRAN, TYPE A; type A insulin resistance. Identifiers: Orphanet 2297, MedGen C0342278, MONDO:0012520, OMIM 610549.
Leprechaunism syndrome. Also called: LEPRECHAUNISM; Donohue syndrome. Identifiers: Orphanet 508, MedGen C0265344, MONDO:0009517, OMIM 246200.
Rabson-Mendenhall syndrome. Also called: MENDENHALL SYNDROME; Pineal Hyperplasia, Insulin-Resistant Diabetes Mellitus, and Somatic Abnormalities; Pineal hyperplasia AND diabetes mellitus syndrome. Identifiers: Orphanet 769, MedGen C0271695, MONDO:0009874, OMIM 262190.
Hyperinsulinism due to INSR deficiency. Also called: Hyperinsulinism due to glutamodehydrogenase deficiency. Identifiers: Orphanet 263458, MedGen C1864952, MONDO:0012381, OMIM 609968.

Allele frequency attached by ClinVar (database versions not stated): 1000 Genomes Project 30x 0.00265; 1000 Genomes Project 0.00280; TOPMed 0.00321; gnomAD 0.00340 and 0.00350; ESP Exome Variant Server 0.00361; gnomAD exomes 0.00374 and 0.00526; ExAC 0.00395.
gnomAD v4.1: 8,142 of 1,613,178 alleles (0.5%); highest among the groups gnomAD compares: Non-Finnish European, 0.61%; 23 homozygotes.

Submissions (9):

CeGaT Center for Human Genetics Tuebingen
Classification: Likely benign. Last evaluated: 2026-08-01. Review status: criteria provided, single submitter. Criteria: CeGaT Center For Human Genetics Tuebingen Variant Classification Criteria Version 2. Collection method: clinical testing. Allele origin: germline. Affected: yes. Observed: 8 variant alleles.
Comment: INSR: BP4, BP7, BS2

Labcorp Genetics (formerly Invitae), Labcorp
Classification: Benign. Last evaluated: 2026-01-15. Review status: criteria provided, single submitter. Criteria: Invitae Variant Classification Sherloc (09022015). Collection method: clinical testing. Allele origin: germline.

Blueprint Genetics
Classification: Likely benign. Last evaluated: 2024-11-28. Review status: criteria provided, single submitter. Criteria: ACMG Guidelines, 2015. Collection method: clinical testing. Allele origin: germline.

Illumina Laboratory Services, Illumina
Classification: Likely benign for Insulin-resistant diabetes mellitus AND acanthosis nigricans. Last evaluated: 2017-04-27. Review status: criteria provided, single submitter. Criteria: ICSL Variant Classification Criteria 13 December 2019. Collection method: clinical testing. Allele origin: germline.
Comment: This variant was observed as part of a predisposition screen in an ostensibly healthy population. A literature search was performed for the gene, cDNA change, and amino acid change (where applicable). No publications were found based on this search. Allele frequency data from public databases allowed determination this variant is unlikely to cause disease. Therefore, this variant is classified as likely benign.

Illumina Laboratory Services, Illumina
Classification: Likely benign for Rabson-Mendenhall syndrome. Last evaluated: 2017-04-27. Review status: criteria provided, single submitter. Criteria: ICSL Variant Classification Criteria 13 December 2019. Collection method: clinical testing. Allele origin: germline.
Comment: the same text as in the submission from Illumina Laboratory Services, Illumina above.

Illumina Laboratory Services, Illumina
Classification: Likely benign for Leprechaunism syndrome. Last evaluated: 2017-04-27. Review status: criteria provided, single submitter. Criteria: ICSL Variant Classification Criteria 13 December 2019. Collection method: clinical testing. Allele origin: germline.
Comment: the same text as in the submission from Illumina Laboratory Services, Illumina above.

Eurofins Ntd Llc (ga)
Classification: Likely benign. Last evaluated: 2014-10-28. Review status: criteria provided, single submitter. Criteria: EGL Classification Definitions 2015. Collection method: clinical testing. Allele origin: germline. Observed: 1 variant allele, 1 heterozygote.

Breakthrough Genomics
Classification: Likely benign. Review status: criteria provided, single submitter. Criteria: ACMG Guidelines, 2015. Collection method: not provided. Allele origin: germline. Inheritance: Autosomal recessive inheritance. Affected: yes.

Clinical Genomics, Uppaluri K&H Personalized Medicine Clinic
Classification: Likely benign for Hyperinsulinism due to INSR deficiency. Review status: criteria provided, single submitter. Criteria: K And H Uppaluri Personalized Medicine Clinic Variant Classification And Assertion Criteria Updated V 2. Collection method: research. Allele origin: unknown. Inheritance: Autosomal dominant inheritance.
Comment: Potent mutations in INSR gene can lead to insulin resistance, which presents as impaired glucose tolerance, early onset type 2 diabetes, post prandial hyperglycemia and increased insulin requirement in type 1 diabetes. These mutations in INSR gene can also predispose to coronary artery disease, metabolic syndrome, polycystic ovarian disease and non alcoholic fatty liver disease.However, the role of this particular variant rs6413501 with early onset diabetes mellitus is yet to be ascertained.

Literature cited by the submitters: PubMed 35000900 (cited by Clinical Genomics, Uppaluri K&H Personalized Medicine Clinic); PubMed 31989990 (cited by Clinical Genomics, Uppaluri K&H Personalized Medicine Clinic); PubMed 23705494 (cited by Clinical Genomics, Uppaluri K&H Personalized Medicine Clinic).

NM_000208.4(INSR):c.2193G>A (p.Thr731=)

Gene: INSR (insulin receptor; minus strand). Cytogenetic location: 19p13.2.
Variant type: single nucleotide variant.
Coding change: c.2193G>A on transcript NM_000208.4 (MANE Select); coding-DNA position 2193, G replaced by A.
Protein change: p.Thr731=; no amino-acid change (threonine 731 retained).
Molecular consequence: synonymous variant.
Genome position (GRCh38, 1-based): chr19:7,152,764, C>T on the plus strand (G>A on the coding strand, the complement: INSR is on the minus strand). VCF-style: chr19-7152764-C-T. GRCh37 (hg19) VCF-style: chr19-7152775-C-T.
Other names: c.2193G>A, p.Thr731= (NM_001079817.3).
Identifiers: ClinVar variation 193565 (VCV000193565.44), dbSNP rs6413501, ClinGen allele CA200660.